The following is an entry in ClinVar:

NM_003388.5(CLIP2):c.2589C>T (p.Gly863=)

Gene: CLIP2 (CAP-Gly domain containing linker protein 2; plus strand). Cytogenetic location: 7q11.23.
Variant type: single nucleotide variant.
Coding change: c.2589C>T on transcript NM_003388.5 (MANE Select); coding-DNA position 2589, C replaced by T.
Protein change: p.Gly863=; no amino-acid change (glycine 863 retained).
Molecular consequence: synonymous variant.
Genome position (GRCh38, 1-based): chr7:74,389,128, C>T. VCF-style: chr7-74389128-C-T. GRCh37 (hg19) VCF-style: chr7-73803458-C-T.
Other names: c.2484C>T, p.Gly828= (NM_032421.3).
Identifiers: ClinVar variation 5039501 (VCV005039501.1).

ClinVar aggregate classification (germline): Likely benign (1 of 4 stars; one submission).

gnomAD v4.1: 233 of 1,612,430 alleles (0.014%); highest among the groups gnomAD compares: East Asian, 0.027%; no homozygotes.

Submission:

CeGaT Center for Human Genetics Tuebingen
Classification: Likely benign. Last evaluated: 2026-07-01. Review status: criteria provided, single submitter. Criteria: CeGaT Center For Human Genetics Tuebingen Variant Classification Criteria Version 2. Collection method: clinical testing. Allele origin: germline. Affected: yes. Observed: 1 variant allele.
Comment: CLIP2: BP4, BP7